The following is an entry in ClinVar:

ClinVar aggregate classification (germline): Benign. Review status: criteria provided, multiple submitters, no conflicts (2 of 4 stars). 3 submissions from 3 submitters: Benign (2). 1 of the submissions does not count toward it. Last evaluated 2017-09-18.

Conditions:
ZNF81-related disorder. Also called: ZNF81-related condition.

Allele frequency attached by ClinVar (database versions not stated): gnomAD 0.00143 and 0.00148; TOPMed 0.00182; 1000 Genomes Project 0.00212; 1000 Genomes Project 30x 0.00208; gnomAD exomes 0.00033 and 0.00012; ExAC 0.00048; ESP Exome Variant Server 0.00126.
gnomAD v4.1: 317 of 1,207,614 alleles (0.026%); highest among the groups gnomAD compares: African/African-American, 0.44%; 1 homozygote.

Submissions (3):

Genetic Services Laboratory, University of Chicago
Classification: Benign. Last evaluated: 2017-09-18. Review status: criteria provided, single submitter. Criteria: ACMG Guidelines, 2015. Collection method: clinical testing. Allele origin: germline. Affected: no.

Breakthrough Genomics
Classification: Benign. Review status: criteria provided, single submitter. Criteria: ACMG Guidelines, 2015. Collection method: not provided. Allele origin: germline. Inheritance: Unknown mechanism. Affected: yes.

PreventionGenetics, part of Exact Sciences
Classification: Likely benign for ZNF81-related condition. Last evaluated: 2019-02-28. Review status: no assertion criteria provided. Collection method: clinical testing. Allele origin: germline. Not counted in ClinVar's aggregate classification.
Comment: This variant is classified as likely benign based on ACMG/AMP sequence variant interpretation guidelines (Richards et al. 2015 PMID: 25741868, with internal and published modifications).

NM_007137.5(ZNF81):c.417A>G (p.Ile139Met)

Gene: ZNF81 (zinc finger protein 81; plus strand). Cytogenetic location: Xp11.23.
Variant type: single nucleotide variant.
Coding change: c.417A>G on transcript NM_007137.5 (MANE Select); coding-DNA position 417, A replaced by G.
Protein change: p.Ile139Met; replaces isoleucine 139 with methionine.
Molecular consequence: missense variant. On other transcripts: intron variant (2).
Genome position (GRCh38, 1-based): chrX:47,915,063, A>G. VCF-style: chrX-47915063-A-G. GRCh37 (hg19) VCF-style: chrX-47774462-A-G.
Other names: c.417A>G, p.Ile139Met (NM_001378152.1, NM_001378153.1); c.278-8861A>G (NM_001378154.1); c.278-6245A>G (NM_001378155.1); short protein forms I139M.
Identifiers: ClinVar variation 212697 (VCV000212697.10), dbSNP rs189835360, ClinGen allele CA205402.